The following is an entry in ClinVar:

ClinVar aggregate classification (germline): Likely pathogenic (1 of 4 stars; one submission).

Conditions:
Dilated cardiomyopathy 1G (CMD1G). Identifiers: Orphanet 154, MedGen C1858763, MONDO:0011400, OMIM 604145.
Autosomal recessive limb-girdle muscular dystrophy type 2J (LGMDR10). Also called: Limb-girdle muscular dystrophy, type 2J; MUSCULAR DYSTROPHY, LIMB-GIRDLE, AUTOSOMAL RECESSIVE 10. Identifiers: Orphanet 140922, MedGen C1837342, MONDO:0012127, OMIM 608807.

Submission:

Labcorp Genetics (formerly Invitae), Labcorp
Classification: Likely pathogenic for Dilated cardiomyopathy 1G; Autosomal recessive limb-girdle muscular dystrophy type 2J. Last evaluated: 2024-10-17. Review status: criteria provided, single submitter. Criteria: Invitae Variant Classification Sherloc (09022015). Collection method: clinical testing. Allele origin: germline.
Comment: This sequence change creates a premature translational stop signal (p.Asp3918Glufs*27) in the TTN gene. While this is not anticipated to result in nonsense mediated decay, it is expected to create a truncated TTN protein. This variant is not present in population databases (gnomAD no frequency). This variant has not been observed in the literature in individuals with autosomal recessive TTN-related conditions. This variant has been reported in individual(s) with dilated cardiomyopathy (internal data); however, the role of the variant in this condition is currently unclear. ClinVar contains an entry for this variant (Variation ID: 1051433). This variant is located in the I band of TTN (PMID: 25589632). Truncating variants in this region have been reported in individuals affected with autosomal recessive centronuclear myopathy (PMID: 23975875, internal data). Truncating variants in this region have also been identified in individuals affected with autosomal dominant dilated cardiomyopathy and/or cardio-related conditions (PMID: 27869827, 32964742, internal data). In summary, the currently available evidence indicates that the variant is pathogenic, but additional data are needed to prove that conclusively. Therefore, this variant has been classified as Likely Pathogenic.

Literature cited by the submitters: PubMed 25589632; PubMed 23975875; PubMed 27869827; PubMed 32964742.

NM_001267550.2(TTN):c.11754del (p.Asp3918fs)

Gene: TTN (titin; minus strand). Cytogenetic location: 2q31.2.
Variant type: Deletion.
Coding change: c.11754del on transcript NM_001267550.2 (MANE Select); coding-DNA position 11754, one base deleted (C; older notation c.11754delC).
Protein change: p.Asp3918fs; shifts the reading frame from aspartic acid 3918.
Molecular consequence: frameshift variant. On other transcripts: intron variant (1).
Genome position (GRCh38, 1-based): chr2:178,741,479, G deleted on the plus strand (C on the coding strand, the reverse complement: TTN is on the minus strand). VCF-style (leftmost placement, unchanged base first): chr2-178741478-TG-T. GRCh37 (hg19) VCF-style: chr2-179606205-TG-T.
Other names: c.10803del, p.Asp3601fs (NM_001256850.1); c.10665del, p.Asp3555fs (NM_003319.4); c.11040del, p.Asp3680fs (NM_133432.3); c.11241del, p.Asp3747fs (NM_133437.4); c.10361-3119del (NM_133378.4); short protein forms D3555fs, D3601fs, D3680fs, D3747fs, D3918fs.
Identifiers: ClinVar variation 1051433 (VCV001051433.9), dbSNP rs2154318864, ClinGen allele CA2499215490.